The following is an entry in ClinVar:

ClinVar aggregate classification (germline): Benign/Likely benign. Review status: criteria provided, multiple submitters, no conflicts (2 of 4 stars). 9 submissions from 9 submitters: Benign (4); Likely benign (5). Last evaluated 2026-08-01.

Conditions:
Hyperaldosteronism, familial, type IV (HALD4). Also called: FH IV; ALDOSTERONISM, PRIMARY, AND HYPERTENSION. Identifiers: Orphanet 642671, MedGen C4310756, MONDO:0014875, OMIM 617027.
Idiopathic generalized epilepsy. Also called: Generalised epilepsy; EIG. Identifiers: MedGen C0270850, MONDO:0005579, OMIM 600669.
Epilepsy, childhood absence, susceptibility to, 6. Identifiers: Orphanet 64280, MedGen C2749872, MONDO:0012763, OMIM 611942.

Allele frequency attached by ClinVar (database versions not stated): gnomAD 0.00493 and 0.00483; gnomAD exomes 0.00727 and 0.00501; 1000 Genomes Project 30x 0.00187; TOPMed 0.00448; 1000 Genomes Project 0.00200; ESP Exome Variant Server 0.00600; ExAC 0.01297.
gnomAD v4.1: 11,041 of 1,584,426 alleles (0.7%); highest among the groups gnomAD compares: Non-Finnish European, 0.84%; 56 homozygotes.

Submissions (9):

CeGaT Center for Human Genetics Tuebingen
Classification: Likely benign. Last evaluated: 2026-08-01. Review status: criteria provided, single submitter. Criteria: CeGaT Center For Human Genetics Tuebingen Variant Classification Criteria Version 2. Collection method: clinical testing. Allele origin: germline. Affected: yes. Observed: 7 variant alleles.
Comment: CACNA1H: BS2

Labcorp Genetics (formerly Invitae), Labcorp
Classification: Benign for Idiopathic generalized epilepsy; Hyperaldosteronism, familial, type IV. Last evaluated: 2026-01-28. Review status: criteria provided, single submitter. Criteria: Invitae Variant Classification Sherloc (09022015). Collection method: clinical testing. Allele origin: germline.

Mayo Clinic Laboratories, Mayo Clinic
Classification: Benign. Last evaluated: 2025-02-14. Review status: criteria provided, single submitter. Criteria: ACMG Guidelines, 2015. Collection method: clinical testing. Allele origin: germline. Observed: 1 variant allele.
Comment: BS1, BS2

Blueprint Genetics
Classification: Likely benign. Last evaluated: 2024-11-27. Review status: criteria provided, single submitter. Criteria: ACMG Guidelines, 2015. Collection method: clinical testing. Allele origin: germline.

Athena Diagnostics
Classification: Benign. Last evaluated: 2024-08-14. Review status: criteria provided, single submitter. Criteria: Athena Diagnostics Criteria. Collection method: clinical testing. Allele origin: unknown.

Fulgent Genetics
Classification: Likely benign for Epilepsy, childhood absence, susceptibility to, 6; Hyperaldosteronism, familial, type IV. Last evaluated: 2021-12-10. Review status: criteria provided, single submitter. Criteria: ACMG Guidelines, 2015. Collection method: clinical testing. Allele origin: unknown.

Center for Pediatric Genomic Medicine, Children's Mercy Hospital and Clinics
Classification: Likely benign. Last evaluated: 2016-09-15. Review status: criteria provided, single submitter. Criteria: ACMG Guidelines, 2015. Collection method: clinical testing. Allele origin: germline.
ClinVar note: Converted during submission from Likely Benign to Likely benign.

Eurofins Ntd Llc (ga)
Classification: Benign. Last evaluated: 2013-07-05. Review status: criteria provided, single submitter. Criteria: EGL Classification Definitions 2015. Collection method: clinical testing. Allele origin: germline. Observed: 2 variant alleles, 2 heterozygotes.

Breakthrough Genomics
Classification: Likely benign. Review status: criteria provided, single submitter. Criteria: ACMG Guidelines, 2015. Collection method: not provided. Allele origin: germline. Inheritance: Autosomal dominant inheritance. Affected: yes.

Literature cited by the submitters: PubMed 17696120 (cited by Mayo Clinic Laboratories, Mayo Clinic and Athena Diagnostics); PubMed 38969634 (cited by Athena Diagnostics); PubMed 27957625 (cited by Athena Diagnostics); PubMed 28912545 (cited by Athena Diagnostics).

NM_021098.3(CACNA1H):c.4817C>T (p.Thr1606Met)

Gene: CACNA1H (calcium voltage-gated channel subunit alpha1 H; plus strand). Cytogenetic location: 16p13.3.
Variant type: single nucleotide variant.
Coding change: c.4817C>T on transcript NM_021098.3 (MANE Select); coding-DNA position 4817, C replaced by T.
Protein change: p.Thr1606Met; replaces threonine 1606 with methionine.
Molecular consequence: missense variant.
Genome position (GRCh38, 1-based): chr16:1,213,819, C>T. VCF-style: chr16-1213819-C-T. GRCh37 (hg19) VCF-style: chr16-1263819-C-T.
Other names: c.4799C>T, p.Thr1600Met (NM_001005407.2); short protein forms T1606M, T1600M.
Identifiers: ClinVar variation 96013 (VCV000096013.44), dbSNP rs59286323, ClinGen allele CA149149.
Genomic context (GRCh38, chr16:1,213,819, plus strand): 5'-TCATGGCCGCCCTCCCCGCAGAGGCCCAGCGCCGGCCCTACTATGCCGACTACTCGCCCA[C>T]GCGCCGCTCCATTCACTCGCTGTGCACCAGCCACTATCTCGACCTCTTCATCACCTTCAT-3'
Protein context (NP_066921.2, residues 1596-1616): RRPYYADYSP[Thr1606Met]RRSIHSLCTS